The following is an entry in ClinVar:

ClinVar aggregate classification (germline): Uncertain significance (1 of 4 stars; one submission).

Conditions:
Familial hemiplegic migraine. Identifiers: MedGen C0338484, MONDO:0000700.

Submission:

Labcorp Genetics (formerly Invitae), Labcorp
Classification: Uncertain significance for Familial hemiplegic migraine. Last evaluated: 2025-01-13. Review status: criteria provided, single submitter. Criteria: Invitae Variant Classification Sherloc (09022015). Collection method: clinical testing. Allele origin: germline.
Comment: This sequence change falls in intron 7 of the ATP1A2 gene. It does not directly change the encoded amino acid sequence of the ATP1A2 protein. This variant is not present in population databases (gnomAD no frequency). This variant has not been reported in the literature in individuals affected with ATP1A2-related conditions. ClinVar contains an entry for this variant (Variation ID: 1947527). Algorithms developed to predict the effect of sequence changes on RNA splicing suggest that this variant may disrupt the consensus splice site. In summary, the available evidence is currently insufficient to determine the role of this variant in disease. Therefore, it has been classified as a Variant of Uncertain Significance.

NM_000702.4(ATP1A2):c.749-15C>G

Gene: ATP1A2 (ATPase Na+/K+ transporting subunit alpha 2; plus strand). Cytogenetic location: 1q23.2.
Variant type: single nucleotide variant.
Coding change: c.749-15C>G on transcript NM_000702.4 (MANE Select); 15 bases into the intron before coding-DNA position 749, C replaced by G.
Molecular consequence: intron variant.
Genome position (GRCh38, 1-based): chr1:160,127,537, C>G. VCF-style: chr1-160127537-C-G. GRCh37 (hg19) VCF-style: chr1-160097327-C-G.
Identifiers: ClinVar variation 1947527 (VCV001947527.5), dbSNP rs1193155932, ClinGen allele CA2580061273.